The following is an entry in ClinVar:

NM_000337.6(SGCD):c.383-34_383-28del

Gene: SGCD (sarcoglycan delta; plus strand). Cytogenetic location: 5q33.3.
Variant type: Microsatellite.
Coding change: c.383-34_383-28del on transcript NM_000337.6 (MANE Select); 34 bases into the intron before coding-DNA position 383 through 28 bases into the intron before coding-DNA position 383, 7 bases deleted (CCTCTCT; older notation c.383-34_383-28delCCTCTCT).
Molecular consequence: intron variant.
Genome position (GRCh38, 1-based): chr5:156,594,898-156,594,904, CCTCTCT deleted; deleting any 7 consecutive bases within chr5:156,594,885-156,594,904 gives the same sequence; the c. name uses the placement nearest the transcript's 3' end. VCF-style (leftmost placement, unchanged base first): chr5-156594884-TCTCTCTC-T. GRCh37 (hg19) VCF-style: chr5-156021894-TCTCTCTC-T.
Other names: c.380-34_380-28del (NM_001128209.2); c.383-34_383-28del (NM_172244.3).
Identifiers: ClinVar variation 3030917 (VCV003030917.2), dbSNP rs780744816, ClinGen allele CA3530580.

ClinVar aggregate classification (germline): Likely benign (0 of 4 stars; one submission).

Conditions:
SGCD-related disorder. Also called: SGCD-related condition.

Submission:

PreventionGenetics, part of Exact Sciences
Classification: Likely benign for SGCD-related condition. Last evaluated: 2021-12-27. Review status: no assertion criteria provided. Collection method: clinical testing. Allele origin: germline.
Comment: This variant is classified as likely benign based on ACMG/AMP sequence variant interpretation guidelines (Richards et al. 2015 PMID: 25741868, with internal and published modifications).